The following is an entry in ClinVar:

ClinVar aggregate classification (germline): Uncertain significance (1 of 4 stars; one submission).

Allele frequency attached by ClinVar (database versions not stated): gnomAD exomes 0.00001.
gnomAD v4.1: 7 of 1,490,528 alleles (0.00047%); highest among the groups gnomAD compares: South Asian, 0.0099%; no homozygotes.

Submission:

Ambry Genetics
Classification: Uncertain significance. Last evaluated: 2023-12-07. Review status: criteria provided, single submitter. Criteria: Ambry Variant Classification Scheme 2023. Collection method: clinical testing. Allele origin: germline.
Comment: The p.S1934C variant (also known as c.5801C>G), located in coding exon 18 of the POLQ gene, results from a C to G substitution at nucleotide position 5801. The serine at codon 1934 is replaced by cysteine, an amino acid with dissimilar properties. This amino acid position is conserved. In addition, this alteration is predicted to be tolerated by in silico analysis. Since supporting evidence is limited at this time, the clinical significance of this alteration remains unclear.

NM_199420.4(POLQ):c.5801C>G (p.Ser1934Cys)

Gene: POLQ (DNA polymerase theta; minus strand). Cytogenetic location: 3q13.33.
Variant type: single nucleotide variant.
Coding change: c.5801C>G on transcript NM_199420.4 (MANE Select); coding-DNA position 5801, C replaced by G.
Protein change: p.Ser1934Cys; replaces serine 1934 with cysteine.
Molecular consequence: missense variant.
Genome position (GRCh38, 1-based): chr3:121,483,555, G>C on the plus strand (C>G on the coding strand, the complement: POLQ is on the minus strand). VCF-style: chr3-121483555-G-C. GRCh37 (hg19) VCF-style: chr3-121202402-G-C.
Other names: short protein forms S1934C.
Identifiers: ClinVar variation 3230071 (VCV003230071.1), dbSNP rs748852771, ClinGen allele CA354088763.
Genomic context (GRCh38, chr3:121,483,555, plus strand): 5'-TTTCGCAAGCAAGATTGAAGGTACCACATCCTGTCTTTCAAAGTCAGGCTTGGATCTAAA[G>C]AAGGTGGAACCAAACTGGCACTAATTTCTTTAAAAAAAAAAAAAAAAAGGAAAAAACATT-3'
Protein context (NP_955452.3, residues 1924-1944): SEISASLVPP[Ser1934Cys]LDPSLTLKDR